The following is an entry in ClinVar:

ClinVar aggregate classification (germline): Uncertain significance (1 of 4 stars; one submission).

Conditions:
Developmental and epileptic encephalopathy, 1 (DEE1). Also called: INFANTILE SPASM SYNDROME, X-LINKED 1; X-linked infantile spasms; West's syndrome; Tonic spasms with clustering, arrest of psychomotor development and hypsarrhythmia on EEG; X-Linked Infantile Spasm Syndrome; OHTAHARA SYNDROME, X-LINKED. Identifiers: MedGen C3463992, MONDO:0010632, OMIM 308350. Disease mechanism: loss of function.
Intellectual disability, X-linked, with or without seizures, ARX-related. Also called: MENTAL RETARDATION, X-LINKED 29; MENTAL RETARDATION, X-LINKED 32; MENTAL RETARDATION, X-LINKED 33; MENTAL RETARDATION, X-LINKED 38; MENTAL RETARDATION, X-LINKED 43; MENTAL RETARDATION, X-LINKED 76. Identifiers: Orphanet 777, MedGen C0796244, MONDO:0010317, OMIM 300419.

Allele frequency attached by ClinVar (database versions not stated): gnomAD exomes below 0.00001; ExAC 0.00002.
gnomAD v4.1: 2 of 1,204,939 alleles (0.00017%); highest among the groups gnomAD compares: Admixed American, 0.0044%; no homozygotes.

Submission:

Labcorp Genetics (formerly Invitae), Labcorp
Classification: Uncertain significance for Developmental and epileptic encephalopathy, 1; Intellectual disability, X-linked, with or without seizures, ARX-related. Last evaluated: 2023-10-17. Review status: criteria provided, single submitter. Criteria: Invitae Variant Classification Sherloc (09022015). Collection method: clinical testing. Allele origin: germline.
Comment: This sequence change replaces threonine, which is neutral and polar, with asparagine, which is neutral and polar, at codon 357 of the ARX protein (p.Thr357Asn). The frequency data for this variant in the population databases is considered unreliable, as metrics indicate poor data quality at this position in the gnomAD database. This variant has not been reported in the literature in individuals affected with ARX-related conditions. Advanced modeling of protein sequence and biophysical properties (such as structural, functional, and spatial information, amino acid conservation, physicochemical variation, residue mobility, and thermodynamic stability) performed at Invitae indicates that this missense variant is expected to disrupt ARX protein function. In summary, the available evidence is currently insufficient to determine the role of this variant in disease. Therefore, it has been classified as a Variant of Uncertain Significance.

NM_139058.3(ARX):c.1070C>A (p.Thr357Asn)

Gene: ARX (aristaless related homeobox; minus strand). Cytogenetic location: Xp21.3.
Variant type: single nucleotide variant.
Coding change: c.1070C>A on transcript NM_139058.3 (MANE Select); coding-DNA position 1070, C replaced by A.
Protein change: p.Thr357Asn; replaces threonine 357 with asparagine.
Molecular consequence: missense variant.
Genome position (GRCh38, 1-based): chrX:25,012,925, G>T on the plus strand (C>A on the coding strand, the complement: ARX is on the minus strand). VCF-style: chrX-25012925-G-T. GRCh37 (hg19) VCF-style: chrX-25031042-G-T.
Other names: short protein forms T357N.
Identifiers: ClinVar variation 2939320 (VCV002939320.3), dbSNP rs768243127, ClinGen allele CA10373857.